The following is an entry in ClinVar:

NM_001289104.2(PRKCSH):c.689C>T (p.Ser230Leu)

Gene: PRKCSH (PRKCSH beta subunit of glucosidase II; plus strand). Cytogenetic location: 19p13.2.
Variant type: single nucleotide variant.
Coding change: c.689C>T on transcript NM_001289104.2 (MANE Select); coding-DNA position 689, C replaced by T.
Protein change: p.Ser230Leu; replaces serine 230 with leucine.
Molecular consequence: missense variant.
Genome position (GRCh38, 1-based): chr19:11,446,277, C>T. VCF-style: chr19-11446277-C-T. GRCh37 (hg19) VCF-style: chr19-11557092-C-T.
Other names: c.689C>T, p.Ser230Leu (NM_001001329.3, NM_001289102.2, NM_001289103.2 and 3 more transcripts); c.689C>T (NM_002743.2); short protein forms S230L.
Identifiers: ClinVar variation 2891596 (VCV002891596.4), dbSNP rs748149239, ClinGen allele CA9212946.

ClinVar aggregate classification (germline): Conflicting classifications of pathogenicity. Review status: criteria provided, conflicting classifications (1 of 4 stars). 2 submissions from 2 submitters: Uncertain significance (1); Likely benign (1). Last evaluated 2025-12-30.

Conditions:
Inborn genetic diseases. Identifiers: MedGen C0950123, MeSH D030342.

Allele frequency attached by ClinVar (database versions not stated): gnomAD 0.00001; ExAC 0.00003; gnomAD exomes 0.00003; TOPMed 0.00003.
gnomAD v4.1: 17 of 1,613,452 alleles (0.0011%); highest among the groups gnomAD compares: Admixed American, 0.015%; no homozygotes.

Submissions (2):

Labcorp Genetics (formerly Invitae), Labcorp
Classification: Uncertain significance. Last evaluated: 2025-12-30. Review status: criteria provided, single submitter. Criteria: Invitae Variant Classification Sherloc (09022015). Collection method: clinical testing. Allele origin: germline.
Comment: This sequence change replaces serine, which is neutral and polar, with leucine, which is neutral and non-polar, at codon 230 of the PRKCSH protein (p.Ser230Leu). This variant is present in population databases (rs748149239, gnomAD 0.02%). This variant has not been reported in the literature in individuals affected with PRKCSH-related conditions. ClinVar contains an entry for this variant (Variation ID: 2891596). An algorithm developed to predict the effect of missense changes on protein structure and function (PolyPhen-2) suggests that this variant is likely to be disruptive. In summary, the available evidence is currently insufficient to determine the role of this variant in disease. Therefore, it has been classified as a Variant of Uncertain Significance.

Ambry Genetics
Classification: Likely benign for Inborn genetic diseases. Last evaluated: 2025-10-21. Review status: criteria provided, single submitter. Criteria: Ambry Variant Classification Scheme 2023. Collection method: clinical testing. Allele origin: germline.